The following is an entry in ClinVar:

ClinVar aggregate classification (germline): Pathogenic (1 of 4 stars; one submission).

Conditions:
Woodhouse-Sakati syndrome. Also called: EXTRAPYRAMIDAL DISORDER, PROGRESSIVE, WITH PRIMARY HYPOGONADISM, MENTAL RETARDATION, AND ALOPECIA; Hypogonadism, Alopecia, Diabetes Mellitus, Mental Retardation, and Extrapyramidal Syndrome; Hypogonadism, diabetes mellitus, alopecia, mental retardation and electrocardiographic abnormalities. Identifiers: Orphanet 3464, MedGen C0342286, MONDO:0009419, OMIM 241080.

Submission:

Labcorp Genetics (formerly Invitae), Labcorp
Classification: Pathogenic for Woodhouse-Sakati syndrome. Last evaluated: 2025-06-11. Review status: criteria provided, single submitter. Criteria: Invitae Variant Classification Sherloc (09022015). Collection method: clinical testing. Allele origin: germline.
Comment: This sequence change creates a premature translational stop signal (p.Gln247*) in the DCAF17 gene. It is expected to result in an absent or disrupted protein product. Loss-of-function variants in DCAF17 are known to be pathogenic (PMID: 19026396, 20507343). This variant is not present in population databases (gnomAD no frequency). This variant has not been reported in the literature in individuals affected with DCAF17-related conditions. Algorithms developed to predict the effect of sequence changes on RNA splicing suggest that this variant may disrupt the consensus splice site. For these reasons, this variant has been classified as Pathogenic.

Literature cited by the submitters: PubMed 19026396; PubMed 20507343.

NM_025000.4(DCAF17):c.739C>T (p.Gln247Ter)

Gene: DCAF17 (DDB1 and CUL4 associated factor 17; plus strand). Cytogenetic location: 2q31.1.
Variant type: single nucleotide variant.
Coding change: c.739C>T on transcript NM_025000.4 (MANE Select); coding-DNA position 739, C replaced by T.
Protein change: p.Gln247Ter; replaces glutamine 247 with a stop codon.
Molecular consequence: nonsense.
Genome position (GRCh38, 1-based): chr2:171,458,378, C>T. VCF-style: chr2-171458378-C-T. GRCh37 (hg19) VCF-style: chr2-172314888-C-T.
Other names: c.739C>T, p.Gln247Ter (NM_001164821.2); short protein forms Q247*.
Identifiers: ClinVar variation 4737211 (VCV004737211.1).